The following is an entry in ClinVar:

NM_001267550.2(TTN):c.8380+2T>A

Gene: TTN (titin; minus strand). Cytogenetic location: 2q31.2.
Variant type: single nucleotide variant.
Coding change: c.8380+2T>A on transcript NM_001267550.2 (MANE Select); the canonical splice donor site of the intron after coding-DNA position 8380, T replaced by A.
Molecular consequence: splice donor variant.
Genome position (GRCh38, 1-based): chr2:178,770,410, A>T on the plus strand (T>A on the coding strand, the complement: TTN is on the minus strand). VCF-style: chr2-178770410-A-T. GRCh37 (hg19) VCF-style: chr2-179635137-A-T.
Other names: c.8242+2T>A (NM_003319.4, NM_133437.4, NM_133432.3); c.8380+2T>A (NM_133378.4, NM_001256850.1, NM_133379.5).
Identifiers: ClinVar variation 3330093 (VCV003330093.1).

ClinVar aggregate classification (germline): Uncertain significance (1 of 4 stars; one submission).

Conditions:
Cardiovascular phenotype. Identifiers: MedGen CN230736.

Submission:

Ambry Genetics
Classification: Uncertain significance for Cardiovascular phenotype. Last evaluated: 2024-05-15. Review status: criteria provided, single submitter. Criteria: Ambry Variant Classification Scheme 2023. Collection method: clinical testing. Allele origin: germline.
Comment: The c.8242+2T>A intronic variant results from a T to A substitution two nucleotides after coding exon 33 in the TTN gene. Exon 33 is located in the I-band region of the N2-B isoform of the titin protein and is constitutively expressed in TTN transcripts (percent spliced in or PSI 100%). This nucleotide position is highly conserved in available vertebrate species. In silico splice site analysis predicts that this alteration will weaken the native splice donor site. This alteration disrupts the canonical splice site and is expected to cause aberrant splicing. However, although direct evidence is unavailable, this alteration is predicted to result in an in-frame transcript that is not expected to trigger nonsense-mediated mRNA decay. The exact functional effect of the predicted splice impact is unknown. Based on the available evidence, the clinical significance of this variant remains unclear.